The following is an entry in ClinVar:

ClinVar aggregate classification (germline): Uncertain significance (1 of 4 stars; one submission).

Conditions:
Inborn genetic diseases. Identifiers: MedGen C0950123, MeSH D030342.

Submission:

Ambry Genetics
Classification: Uncertain significance for Inborn genetic diseases. Last evaluated: 2017-10-31. Review status: criteria provided, single submitter. Criteria: Ambry Variant Classification Scheme 2023. Collection method: clinical testing. Allele origin: germline.
Comment: The p.S223T variant (also known as c.667T>A), located in coding exon 1 of the RAI1 gene, results from a T to A substitution at nucleotide position 667. The serine at codon 223 is replaced by threonine, an amino acid with similar properties. This amino acid position is well conserved in available vertebrate species; however, threonine is the reference amino acid in other vertebrate species. In addition, this alteration is predicted to be tolerated by in silico analysis. Since supporting evidence is limited at this time, the clinical significance of this alteration remains unclear.

NM_030665.4(RAI1):c.667T>A (p.Ser223Thr)

Gene: RAI1 (retinoic acid induced 1; plus strand). Cytogenetic location: 17p11.2.
Variant type: single nucleotide variant.
Coding change: c.667T>A on transcript NM_030665.4 (MANE Select); coding-DNA position 667, T replaced by A.
Protein change: p.Ser223Thr; replaces serine 223 with threonine.
Molecular consequence: missense variant.
Genome position (GRCh38, 1-based): chr17:17,793,615, T>A. VCF-style: chr17-17793615-T-A. GRCh37 (hg19) VCF-style: chr17-17696929-T-A.
Other names: short protein forms S223T.
Identifiers: ClinVar variation 1754852 (VCV001754852.2), dbSNP rs2032107312, ClinGen allele CA398545961.